The following is an entry in ClinVar:

NM_001371928.1(AHDC1):c.2943C>T (p.Phe981=)

Gene: AHDC1 (AT-hook DNA binding motif containing 1; minus strand). Cytogenetic location: 1p36.11.
Variant type: single nucleotide variant.
Coding change: c.2943C>T on transcript NM_001371928.1 (MANE Select); coding-DNA position 2943, C replaced by T.
Protein change: p.Phe981=; no amino-acid change (phenylalanine 981 retained).
Molecular consequence: synonymous variant.
Genome position (GRCh38, 1-based): chr1:27,549,173, G>A on the plus strand (C>T on the coding strand, the complement: AHDC1 is on the minus strand). VCF-style: chr1-27549173-G-A. GRCh37 (hg19) VCF-style: chr1-27875684-G-A.
Other names: c.2943C>T, p.Phe981= (NM_001029882.3).
Identifiers: ClinVar variation 1237031 (VCV001237031.31), dbSNP rs555542437, ClinGen allele CA715657.

ClinVar aggregate classification (germline): Benign/Likely benign. Review status: criteria provided, multiple submitters, no conflicts (2 of 4 stars). 3 submissions from 3 submitters: Benign (2); Likely benign (1). Last evaluated 2026-03-01.

Allele frequency attached by ClinVar (database versions not stated): gnomAD exomes 0.00019 and 0.00041; ExAC 0.00037; 1000 Genomes Project 0.00080; 1000 Genomes Project 30x 0.00094; gnomAD 0.00001 and 0.00008; TOPMed 0.00002.
gnomAD v4.1: 285 of 1,578,096 alleles (0.018%); highest among the groups gnomAD compares: South Asian, 0.26%; 4 homozygotes.

Submissions (3):

CeGaT Center for Human Genetics Tuebingen
Classification: Likely benign. Last evaluated: 2026-03-01. Review status: criteria provided, single submitter. Criteria: CeGaT Center For Human Genetics Tuebingen Variant Classification Criteria Version 2. Collection method: clinical testing. Allele origin: germline. Affected: yes. Observed: 6 variant alleles.
Comment: AHDC1: BP4, BP7

Labcorp Genetics (formerly Invitae), Labcorp
Classification: Benign. Last evaluated: 2025-06-03. Review status: criteria provided, single submitter. Criteria: Invitae Variant Classification Sherloc (09022015). Collection method: clinical testing. Allele origin: germline.

GeneDx
Classification: Benign. Last evaluated: 2020-06-29. Review status: criteria provided, single submitter. Criteria: GeneDx Variant Classification Process June 2021. Collection method: clinical testing. Allele origin: germline. Affected: yes.